The following is an entry in ClinVar:

NM_005560.6(LAMA5):c.9107G>A (p.Arg3036His)

Gene: LAMA5 (laminin subunit alpha 5; minus strand). Cytogenetic location: 20q13.33.
Variant type: single nucleotide variant.
Coding change: c.9107G>A on transcript NM_005560.6 (MANE Select); coding-DNA position 9107, G replaced by A.
Protein change: p.Arg3036His; replaces arginine 3036 with histidine.
Molecular consequence: missense variant.
Genome position (GRCh38, 1-based): chr20:62,312,752, C>T on the plus strand (G>A on the coding strand, the complement: LAMA5 is on the minus strand). VCF-style: chr20-62312752-C-T. GRCh37 (hg19) VCF-style: chr20-60887808-C-T.
Other names: c.9107G>A (NM_005560.3); short protein forms R3036H.
Identifiers: ClinVar variation 2142216 (VCV002142216.4), dbSNP rs749079447, ClinGen allele CA9940412.
Genomic context (GRCh38, chr20:62,312,752, plus strand): 5'-TCATTGTCCTGCTCCACGCTGTACACCGTGGCCCGCTCCACACGCACCAGCACACGCTTG[C>T]GGCTGCCCCCCAGCAGGAACACCTGGATCTACAGGACCAGTGGGGGCTCCAGGGCCAGCT-3'
Protein context (NP_005551.3, residues 3026-3046): AIQVFLLGGS[Arg3036His]KRVLVRVERA

ClinVar aggregate classification (germline): Uncertain significance. Review status: criteria provided, multiple submitters, no conflicts (2 of 4 stars). 2 submissions from 2 submitters: Uncertain significance (2). Last evaluated 2026-02-02.

Allele frequency attached by ClinVar (database versions not stated): gnomAD 0.00005; TOPMed 0.00007; ExAC 0.00004; gnomAD exomes 0.00004.
gnomAD v4.1: 61 of 1,589,626 alleles (0.0038%); highest among the groups gnomAD compares: African/African-American, 0.02%; no homozygotes.

Submissions (2):

GeneDx
Classification: Uncertain significance. Last evaluated: 2026-02-02. Review status: criteria provided, single submitter. Criteria: GeneDx Variant Classification Process June 2021. Collection method: clinical testing. Allele origin: germline.
Comment: In silico analysis supports that this missense variant does not alter protein structure/function; Has not been previously published as pathogenic or benign to our knowledge

Labcorp Genetics (formerly Invitae), Labcorp
Classification: Uncertain significance. Last evaluated: 2022-07-08. Review status: criteria provided, single submitter. Criteria: Invitae Variant Classification Sherloc (09022015). Collection method: clinical testing. Allele origin: germline.
Comment: This variant has not been reported in the literature in individuals affected with LAMA5-related conditions. This sequence change replaces arginine, which is basic and polar, with histidine, which is basic and polar, at codon 3036 of the LAMA5 protein (p.Arg3036His). The frequency data for this variant in the population databases is considered unreliable, as metrics indicate poor data quality at this position in the gnomAD database. Algorithms developed to predict the effect of missense changes on protein structure and function are either unavailable or do not agree on the potential impact of this missense change (SIFT: "Tolerated"; PolyPhen-2: "Possibly Damaging"; Align-GVGD: "Class C0"). In summary, the available evidence is currently insufficient to determine the role of this variant in disease. Therefore, it has been classified as a Variant of Uncertain Significance.